The following is an entry in ClinVar:

NM_001005271.3(CHD3):c.89AGG[5] (p.Glu35del)

Genes: CHD3 (chromodomain helicase DNA binding protein 3; plus strand), NAA38 (N-alpha-acetyltransferase 38, NatC auxiliary subunit; minus strand). Cytogenetic location: 17p13.1.
Variant type: Microsatellite.
Coding change: c.89AGG[5] on transcript NM_001005271.3; five copies in a row of the 3-base unit AGG starting at c.89; the reference has six copies in a row; one copy, 3 bases deleted.
Protein change: p.Glu35del; deletes glutamic acid 35.
Molecular consequence: inframe deletion. On other transcripts: intron variant (1).
Genome position (GRCh38, 1-based): chr17:7,884,910-7,884,912, AGG deleted; deleting any 3 consecutive bases within chr17:7,884,894-7,884,912 gives the same sequence; the position shown is the placement nearest the transcript's 3' end. VCF-style (leftmost placement, unchanged base first): chr17-7884893-CGAG-C. GRCh37 (hg19) VCF-style: chr17-7788211-CGAG-C.
Other names: c.89AGG[5], p.Glu35del (NM_001437504.1, NM_001437507.1, NM_001437508.1 and 1 more transcripts); c.-167+254CTC[5] (NM_001330111.2); short protein forms E35del.
Identifiers: ClinVar variation 2647418 (VCV002647418.23), dbSNP rs770383628, ClinGen allele CA8362218.
Genomic context (GRCh38, chr17:7,884,893, plus strand): 5'-GGAGGAGGAGGAGGAGATGGTGGTGTCGGAGGAGGAAGAAGAGGAGGAAGAAGAGGGCGA[CGAG>C]GAGGAGGAGGAGGAGGTGGAGGCGGCCGACGAGGACGATGAGGAGGACGACGACGAGGGA-3'

ClinVar aggregate classification (germline): Benign/Likely benign. Review status: criteria provided, multiple submitters, no conflicts (2 of 4 stars). 2 submissions from 2 submitters: Benign (1); Likely benign (1). Last evaluated 2024-11-20.

Submissions (2):

Blueprint Genetics
Classification: Likely benign. Last evaluated: 2024-11-20. Review status: criteria provided, single submitter. Criteria: ACMG Guidelines, 2015. Collection method: clinical testing. Allele origin: germline.

CeGaT Center for Human Genetics Tuebingen
Classification: Benign. Last evaluated: 2022-08-01. Review status: criteria provided, single submitter. Criteria: CeGaT Center For Human Genetics Tuebingen Variant Classification Criteria Version 2. Collection method: clinical testing. Allele origin: germline. Affected: yes. Observed: 4 variant alleles.
Comment: CHD3: BS1, BS2